The following is an entry in ClinVar:

NM_005502.4(ABCA1):c.2338-17T>C

Gene: ABCA1 (ATP binding cassette subfamily A member 1; minus strand). Cytogenetic location: 9q31.1.
Variant type: single nucleotide variant.
Coding change: c.2338-17T>C on transcript NM_005502.4 (MANE Select); 17 bases into the intron before coding-DNA position 2338, T replaced by C.
Molecular consequence: intron variant.
Genome position (GRCh38, 1-based): chr9:104,825,904, A>G on the plus strand (T>C on the coding strand, the complement: ABCA1 is on the minus strand). VCF-style: chr9-104825904-A-G. GRCh37 (hg19) VCF-style: chr9-107588185-A-G.
Identifiers: ClinVar variation 974983 (VCV000974983.11), dbSNP rs182899836, ClinGen allele CA5168748.
Genomic context (GRCh38, chr9:104,825,904, plus strand): 5'-AAGTACTCACAGCCAAACCCAAAAGCCACAGGAGACAGCAGGCTCTGTGAGAAACAGGCA[A>G]AGTCACCTATCCATTTCCTGGTCAGTCTCATTTTTCTATCTCTTCTAGTGTAAATTATAC-3'

ClinVar aggregate classification (germline): Benign/Likely benign. Review status: criteria provided, multiple submitters, no conflicts (2 of 4 stars). 4 submissions from 4 submitters: Benign (2); Likely benign (2). Last evaluated 2026-01-26.

Conditions:
Tangier disease (TGD). Also called: Cholesterol thesaurismosis; HIGH DENSITY LIPOPROTEIN DEFICIENCY, TANGIER TYPE; HIGH DENSITY LIPOPROTEIN DEFICIENCY, TYPE 1. Identifiers: Orphanet 31150, MedGen C0039292, MONDO:0008783, OMIM 205400.
Hypoalphalipoproteinemia, primary, 1. Identifiers: Orphanet 425, MedGen C5231558, MONDO:0011393, OMIM 604091.

Allele frequency attached by ClinVar (database versions not stated): gnomAD 0.00192 and 0.00230; TOPMed 0.00199; ExAC 0.00384; ESP Exome Variant Server 0.00246; 1000 Genomes Project 30x 0.00312; 1000 Genomes Project 0.00319; gnomAD exomes 0.00363.
gnomAD v4.1: 5,215 of 1,612,980 alleles (0.32%); highest among the groups gnomAD compares: South Asian, 1.5%; 35 homozygotes.

Submissions (4):

Labcorp Genetics (formerly Invitae), Labcorp
Classification: Benign. Last evaluated: 2026-01-26. Review status: criteria provided, single submitter. Criteria: Invitae Variant Classification Sherloc (09022015). Collection method: clinical testing. Allele origin: germline.

Fulgent Genetics
Classification: Likely benign for Tangier disease; Hypoalphalipoproteinemia, primary, 1. Last evaluated: 2021-10-27. Review status: criteria provided, single submitter. Criteria: ACMG Guidelines, 2015. Collection method: clinical testing. Allele origin: unknown.

Women's Health and Genetics/Laboratory Corporation of America, LabCorp
Classification: Benign. Last evaluated: 2020-07-13. Review status: criteria provided, single submitter. Criteria: LabCorp Variant Classification Summary - May 2015. Collection method: clinical testing. Allele origin: germline.
Comment: Variant summary: ABCA1 c.2338-17T>C alters a non-conserved nucleotide located close to a canonical splice site and therefore could affect mRNA splicing, leading to a significantly altered protein sequence. 4/4 computational tools predict no significant impact on normal splicing. However, these predictions have yet to be confirmed by functional studies. The variant allele was found at a frequency of 0.0036 in 250906 control chromosomes, predominantly at a frequency of 0.014 within the South Asian subpopulation in the gnomAD database, including 5 homozygotes. The observed variant frequency within South Asian control individuals in the gnomAD database is approximately 1120 fold of the estimated maximal expected allele frequency for a pathogenic variant in ABCA1 causing Early Onset Coronary Artery Disease phenotype (1.3e-05), strongly suggesting that the variant is a benign polymorphism found primarily in populations of South Asian origin. To our knowledge, no occurrence of c.2338-17T>C in individuals affected with Early Onset Coronary Artery Disease and no experimental evidence demonstrating its impact on protein function have been reported. No clinical diagnostic laboratories have submitted clinical-significance assessments for this variant to ClinVar after 2014. Based on the evidence outlined above, the variant was classified as benign.

GeneDx
Classification: Likely benign. Last evaluated: 2019-08-29. Review status: criteria provided, single submitter. Criteria: GeneDx Variant Classification (06012015). Collection method: clinical testing. Allele origin: germline. Affected: yes.